The following is an entry in ClinVar:

NM_022765.4(MICAL1):c.571+1G>T

Gene: MICAL1 (microtubule associated monooxygenase, calponin and LIM domain containing 1; minus strand). Cytogenetic location: 6q21.
Variant type: single nucleotide variant.
Coding change: c.571+1G>T on transcript NM_022765.4 (MANE Select); the canonical splice donor site of the intron after coding-DNA position 571, G replaced by T.
Molecular consequence: splice donor variant.
Genome position (GRCh38, 1-based): chr6:109,453,262, C>A on the plus strand (G>T on the coding strand, the complement: MICAL1 is on the minus strand). VCF-style: chr6-109453262-C-A. GRCh37 (hg19) VCF-style: chr6-109774465-C-A.
Other names: c.628+1G>T (NM_001286613.2); c.571+1G>T (NM_001159291.2).
Identifiers: ClinVar variation 1650947 (VCV001650947.31), dbSNP rs138930729, ClinGen allele CA3953737.

ClinVar aggregate classification (germline): Likely benign. Review status: criteria provided, multiple submitters, no conflicts (2 of 4 stars). 2 submissions from 2 submitters: Likely benign (2). Last evaluated 2026-07-01.

Allele frequency attached by ClinVar (database versions not stated): 1000 Genomes Project 0.00020; 1000 Genomes Project 30x 0.00031; gnomAD 0.00035 and 0.00036; gnomAD exomes 0.00036 and 0.00050; TOPMed 0.00040; ExAC 0.00044; ESP Exome Variant Server 0.00069.

Submissions (9):

CeGaT Center for Human Genetics Tuebingen
Classification: Likely benign. Last evaluated: 2026-07-01. Review status: criteria provided, single submitter. Criteria: CeGaT Center For Human Genetics Tuebingen Variant Classification Criteria Version 2. Collection method: clinical testing. Allele origin: germline. Affected: yes. Observed: 2 variant alleles.
Comment: MICAL1: PP3, BS1

Labcorp Genetics (formerly Invitae), Labcorp
Classification: Likely benign. Last evaluated: 2026-01-21. Review status: criteria provided, single submitter. Criteria: Invitae Variant Classification Sherloc (09022015). Collection method: clinical testing. Allele origin: germline.

Dr. Peter K. Rogan Lab, Western University
No classification provided (evidence only). Condition: Malignant tumor of urinary bladder. Review status: no classification provided. Collection method: in vitro. Allele origin: not applicable. Functional consequence: skipped exon. Not counted in ClinVar's aggregate classification.

Dr. Peter K. Rogan Lab, Western University
No classification provided (evidence only). Condition: Lung cancer. Review status: no classification provided. Collection method: in vitro. Allele origin: not applicable. Functional consequence: skipped exon. Not counted in ClinVar's aggregate classification.

Dr. Peter K. Rogan Lab, Western University
No classification provided (evidence only). Condition: Lung cancer. Review status: no classification provided. Collection method: in vitro. Allele origin: not applicable. Functional consequence: skipped exon, retained intron. Not counted in ClinVar's aggregate classification.

Dr. Peter K. Rogan Lab, Western University
No classification provided (evidence only). Condition: Lung cancer. Review status: no classification provided. Collection method: in vitro. Allele origin: not applicable. Functional consequence: skipped exon. Not counted in ClinVar's aggregate classification.

Dr. Peter K. Rogan Lab, Western University
No classification provided (evidence only). Condition: Familial cancer of breast. Review status: no classification provided. Collection method: in vitro. Allele origin: not applicable. Functional consequence: skipped exon, retained intron. Not counted in ClinVar's aggregate classification.

Dr. Peter K. Rogan Lab, Western University
No classification provided (evidence only). Condition: Cervical cancer. Review status: no classification provided. Collection method: in vitro. Allele origin: not applicable. Functional consequence: skipped exon. Not counted in ClinVar's aggregate classification.

Dr. Peter K. Rogan Lab, Western University
No classification provided (evidence only). Condition: Ovarian serous cystadenocarcinoma. Review status: no classification provided. Collection method: in vitro. Allele origin: not applicable. Functional consequence: retained intron. Not counted in ClinVar's aggregate classification.